The following is an entry in ClinVar:

NM_001042492.3(NF1):c.6427+1G>C

Gene: NF1 (neurofibromin 1; plus strand). Cytogenetic location: 17q11.2.
Variant type: single nucleotide variant.
Coding change: c.6427+1G>C on transcript NM_001042492.3 (MANE Select); the canonical splice donor site of the intron after coding-DNA position 6427, G replaced by C.
Molecular consequence: splice donor variant.
Genome position (GRCh38, 1-based): chr17:31,336,915, G>C. VCF-style: chr17-31336915-G-C. GRCh37 (hg19) VCF-style: chr17-29663933-G-C.
Other names: c.6364+1G>C (NM_000267.4).
Identifiers: ClinVar variation 2736567 (VCV002736567.3), dbSNP rs2151555200, ClinGen allele CA399012975.

ClinVar aggregate classification (germline): Pathogenic (1 of 4 stars; one submission).

Conditions:
Neurofibromatosis, type 1 (NF1). Also called: Neurofibromatosis, type I; Peripheral type neurofibromatosis; VON RECKLINGHAUSEN DISEASE; NEUROFIBROMATOSIS, TYPE I, SOMATIC. Identifiers: Orphanet 636, MedGen C0027831, MONDO:0018975, OMIM 162200. Disease mechanism: loss of function.

gnomAD v4.1: 1 of 1,608,236 alleles (0.000062%); highest among the groups gnomAD compares: Non-Finnish European, 0.000085%; no homozygotes.

Submission:

Labcorp Genetics (formerly Invitae), Labcorp
Classification: Pathogenic for Neurofibromatosis, type 1. Last evaluated: 2023-06-16. Review status: criteria provided, single submitter. Criteria: Invitae Variant Classification Sherloc (09022015). Collection method: clinical testing. Allele origin: germline.
Comment: For these reasons, this variant has been classified as Pathogenic. Algorithms developed to predict the effect of sequence changes on RNA splicing suggest that this variant may disrupt the consensus splice site. Disruption of this splice site has been observed in individual(s) with neurofibromatosis type 1 (PMID: 18484666, 31776437). This variant is not present in population databases (gnomAD no frequency). This sequence change affects a donor splice site in intron 41 of the NF1 gene. It is expected to disrupt RNA splicing. Variants that disrupt the donor or acceptor splice site typically lead to a loss of protein function (PMID: 16199547), and loss-of-function variants in NF1 are known to be pathogenic (PMID: 10712197, 23913538).

Literature cited by the submitters: PubMed 18484666; PubMed 31776437; PubMed 16199547; PubMed 10712197; PubMed 23913538.